The following is an entry in ClinVar:

NM_004979.6(KCND1):c.476G>T (p.Gly159Val)

Gene: KCND1 (potassium voltage-gated channel subfamily D member 1; minus strand). Cytogenetic location: Xp11.23.
Variant type: single nucleotide variant.
Coding change: c.476G>T on transcript NM_004979.6 (MANE Select); coding-DNA position 476, G replaced by T.
Protein change: p.Gly159Val; replaces glycine 159 with valine.
Molecular consequence: missense variant.
Genome position (GRCh38, 1-based): chrX:48,969,796, C>A on the plus strand (G>T on the coding strand, the complement: KCND1 is on the minus strand). VCF-style: chrX-48969796-C-A. GRCh37 (hg19) VCF-style: chrX-48826203-C-A.
Other names: short protein forms G159V.
Identifiers: ClinVar variation 5009451 (VCV005009451.1).

ClinVar aggregate classification (germline): Uncertain significance (1 of 4 stars; one submission).

Submission:

GeneDx
Classification: Uncertain significance. Last evaluated: 2026-02-21. Review status: criteria provided, single submitter. Criteria: GeneDx Variant Classification Process June 2021. Collection method: clinical testing. Allele origin: germline.
Comment: Not observed at significant frequency in large population cohorts (gnomAD); In silico analysis suggests that this missense variant does not alter protein structure/function; Has not been previously published as pathogenic or benign to our knowledge